The following is an entry in ClinVar:

ClinVar aggregate classification (germline): Conflicting classifications of pathogenicity. Review status: criteria provided, conflicting classifications (1 of 4 stars). 5 submissions from 4 submitters: Uncertain significance (2); Benign (1); Likely benign (2). Last evaluated 2024-08-10.

Conditions:
Autosomal recessive ataxia, Beauce type. Also called: SYNE1-Related Autosomal Recessive Cerebellar Ataxia; ATAXIA, RECESSIVE, OF BEAUCE; Spinocerebellar ataxia, autosomal recessive 8; SYNE1 Deficiency. Identifiers: Orphanet 88644, MedGen C1853116, MONDO:0012549, OMIM 610743.
Emery-Dreifuss muscular dystrophy 4, autosomal dominant (EDMD4). Also called: EMERY-DREIFUSS MUSCULAR DYSTROPHY 4 WITH VARIABLE FEATURES. Identifiers: Orphanet 261, MedGen C2751807, MONDO:0013071, OMIM 612998.

Allele frequency attached by ClinVar (database versions not stated): gnomAD below 0.00001 and 0.00003; TOPMed 0.00002; ESP Exome Variant Server 0.00008; gnomAD exomes 0.00011; ExAC 0.00015.
gnomAD v4.1: 91 of 1,614,082 alleles (0.0056%); highest among the groups gnomAD compares: South Asian, 0.085%; 2 homozygotes.

Submissions (5):

Labcorp Genetics (formerly Invitae), Labcorp
Classification: Likely benign for Emery-Dreifuss muscular dystrophy 4, autosomal dominant; Autosomal recessive ataxia, Beauce type. Last evaluated: 2024-08-10. Review status: criteria provided, single submitter. Criteria: Invitae Variant Classification Sherloc (09022015). Collection method: clinical testing. Allele origin: germline.

Blueprint Genetics
Classification: Likely benign. Last evaluated: 2022-01-05. Review status: criteria provided, single submitter. Criteria: ACMG Guidelines, 2015. Collection method: clinical testing. Allele origin: germline.

Illumina Laboratory Services, Illumina
Classification: Benign for Emery-Dreifuss muscular dystrophy 4, autosomal dominant. Last evaluated: 2018-01-13. Review status: criteria provided, single submitter. Criteria: ICSL Variant Classification Criteria 13 December 2019. Collection method: clinical testing. Allele origin: germline.
Comment: This variant was observed in the ICSL laboratory as part of a predisposition screen in an ostensibly healthy population. It had not been previously curated by ICSL or reported in the Human Gene Mutation Database (HGMD: prior to June 1st, 2018), and was therefore a candidate for classification through an automated scoring system. Utilizing variant allele frequency, disease prevalence and penetrance estimates, and inheritance mode, an automated score was calculated to assess if this variant is too frequent to cause the disease. Based on the score and internal cut-off values, a variant classified as benign is not then subjected to further curation. The score for this variant resulted in a classification of benign for this disease.

Illumina Laboratory Services, Illumina
Classification: Uncertain significance for Autosomal recessive ataxia, Beauce type. Last evaluated: 2018-01-13. Review status: criteria provided, single submitter. Criteria: ICSL Variant Classification Criteria 13 December 2019. Collection method: clinical testing. Allele origin: germline.

Eurofins Ntd Llc (ga)
Classification: Uncertain significance. Last evaluated: 2015-04-14. Review status: criteria provided, single submitter. Criteria: EGL Classification Definitions 2015. Collection method: clinical testing. Allele origin: germline. Observed: 1 variant allele, 1 heterozygote.

NM_182961.4(SYNE1):c.10260G>A (p.Ala3420=)

Gene: SYNE1 (spectrin repeat containing nuclear envelope protein 1; minus strand). Cytogenetic location: 6q25.2.
Variant type: single nucleotide variant.
Coding change: c.10260G>A on transcript NM_182961.4 (MANE Select); coding-DNA position 10260, G replaced by A.
Protein change: p.Ala3420=; no amino-acid change (alanine 3420 retained).
Molecular consequence: synonymous variant.
Genome position (GRCh38, 1-based): chr6:152,362,209, C>T on the plus strand (G>A on the coding strand, the complement: SYNE1 is on the minus strand). VCF-style: chr6-152362209-C-T. GRCh37 (hg19) VCF-style: chr6-152683344-C-T.
Other names: c.10281G>A, p.Ala3427= (NM_033071.5).
Identifiers: ClinVar variation 198349 (VCV000198349.17), dbSNP rs145287138, ClinGen allele CA246940.